The following is an entry in ClinVar:

ClinVar aggregate classification (germline): Uncertain significance (1 of 4 stars; one submission).

gnomAD v4.1: 1 of 1,613,974 alleles (0.000062%); highest among the groups gnomAD compares: Non-Finnish European, 0.000085%; no homozygotes.

Submission:

Labcorp Genetics (formerly Invitae), Labcorp
Classification: Uncertain significance. Last evaluated: 2024-10-07. Review status: criteria provided, single submitter. Criteria: Invitae Variant Classification Sherloc (09022015). Collection method: clinical testing. Allele origin: germline.
Comment: This sequence change replaces valine, which is neutral and non-polar, with methionine, which is neutral and non-polar, at codon 1659 of the NYNRIN protein (p.Val1659Met). This variant is not present in population databases (gnomAD no frequency). This variant has not been reported in the literature in individuals affected with NYNRIN-related conditions. Experimental studies and prediction algorithms are not available or were not evaluated, and the functional significance of this variant is currently unknown. In summary, the available evidence is currently insufficient to determine the role of this variant in disease. Therefore, it has been classified as a Variant of Uncertain Significance.

NM_025081.3(NYNRIN):c.4975G>A (p.Val1659Met)

Gene: NYNRIN (NYN domain and retroviral integrase containing; plus strand). Cytogenetic location: 14q12.
Variant type: single nucleotide variant.
Coding change: c.4975G>A on transcript NM_025081.3 (MANE Select); coding-DNA position 4975, G replaced by A.
Protein change: p.Val1659Met; replaces valine 1659 with methionine.
Molecular consequence: missense variant.
Genome position (GRCh38, 1-based): chr14:24,416,724, G>A. VCF-style: chr14-24416724-G-A. GRCh37 (hg19) VCF-style: chr14-24885930-G-A.
Other names: short protein forms V1659M.
Identifiers: ClinVar variation 3722370 (VCV003722370.2).